The following is an entry in ClinVar:

ClinVar aggregate classification (germline): Uncertain significance. Review status: criteria provided, multiple submitters, no conflicts (2 of 4 stars). 2 submissions from 2 submitters: Uncertain significance (2). Last evaluated 2024-10-16.

Conditions:
Pyruvate dehydrogenase E3 deficiency (DLDD). Also called: Dihydrolipoamide Dehydrogenase (E3) Deficiency; MAPLE SYRUP URINE DISEASE, TYPE III; Dihydrolipoamide Dehydrogenase E3 Deficiency; Dihydrolipoamide Dehydrogenase Deficiency; DLD DEFICIENCY; E3 DEFICIENCY. Identifiers: Orphanet 2394, Orphanet 765, MedGen C5574660, MONDO:0009529, OMIM 246900.

Allele frequency attached by ClinVar (database versions not stated): gnomAD exomes below 0.00001; TOPMed below 0.00001; gnomAD 0.00001.
gnomAD v4.1: 3 of 1,598,972 alleles (0.00019%); highest among the groups gnomAD compares: Non-Finnish European, 0.00026%; no homozygotes.

Submissions (2):

Labcorp Genetics (formerly Invitae), Labcorp
Classification: Uncertain significance for Pyruvate dehydrogenase E3 deficiency. Last evaluated: 2024-10-16. Review status: criteria provided, single submitter. Criteria: Invitae Variant Classification Sherloc (09022015). Collection method: clinical testing. Allele origin: germline.
Comment: This sequence change replaces asparagine, which is neutral and polar, with lysine, which is basic and polar, at codon 145 of the DLD protein (p.Asn145Lys). This variant is not present in population databases (gnomAD no frequency). This variant has not been reported in the literature in individuals affected with DLD-related conditions. ClinVar contains an entry for this variant (Variation ID: 2583052). Invitae Evidence Modeling of protein sequence and biophysical properties (such as structural, functional, and spatial information, amino acid conservation, physicochemical variation, residue mobility, and thermodynamic stability) indicates that this missense variant is expected to disrupt DLD protein function with a positive predictive value of 95%. In summary, the available evidence is currently insufficient to determine the role of this variant in disease. Therefore, it has been classified as a Variant of Uncertain Significance.

CeGaT Center for Human Genetics Tuebingen
Classification: Uncertain significance. Last evaluated: 2023-08-01. Review status: criteria provided, single submitter. Criteria: CeGaT Center For Human Genetics Tuebingen Variant Classification Criteria Version 2. Collection method: clinical testing. Allele origin: germline. Affected: yes. Observed: 1 variant allele.
Comment: DLD: PM2, PP4:Moderate, PM3:Supporting

NM_000108.5(DLD):c.435T>A (p.Asn145Lys)

Gene: DLD (dihydrolipoamide dehydrogenase; plus strand). Cytogenetic location: 7q31.1.
Variant type: single nucleotide variant.
Coding change: c.435T>A on transcript NM_000108.5 (MANE Select); coding-DNA position 435, T replaced by A.
Protein change: p.Asn145Lys; replaces asparagine 145 with lysine.
Molecular consequence: missense variant.
Genome position (GRCh38, 1-based): chr7:107,905,055, T>A. VCF-style: chr7-107905055-T-A. GRCh37 (hg19) VCF-style: chr7-107545500-T-A.
Other names: c.138T>A, p.Asn46Lys (NM_001289750.1); c.366T>A, p.Asn122Lys (NM_001289751.1); c.435T>A, p.Asn145Lys (NM_001289752.1); short protein forms N122K, N145K, N46K.
Identifiers: ClinVar variation 2583052 (VCV002583052.26), dbSNP rs1289610601, ClinGen allele CA368855393.